The following is an entry in ClinVar:

ClinVar aggregate classification (germline): Pathogenic (1 of 4 stars; one submission).

Allele frequency attached by ClinVar (database versions not stated): gnomAD exomes below 0.00001; ExAC 0.00001.
gnomAD v4.1: 1 of 1,577,296 alleles (0.000063%); highest among the groups gnomAD compares: Non-Finnish European, 0.000085%; no homozygotes.

Submission:

GeneDx
Classification: Pathogenic. Last evaluated: 2022-06-20. Review status: criteria provided, single submitter. Criteria: GeneDx Variant Classification Process June 2021. Collection method: clinical testing. Allele origin: germline. Affected: yes.
Comment: Not observed at significant frequency in large population cohorts (gnomAD); Intronic +5 splice site variant in a gene for which loss of function is a known mechanism of disease, and both splice predictors and evolutionary conservation support a deleterious effect, although in the absence of functional evidence the actual effect of this sequence change is unknown.; Has not been previously published as pathogenic or benign to our knowledge

NM_057175.5(NAA15):c.1410+5G>A

Gene: NAA15 (N-alpha-acetyltransferase 15, NatA auxiliary subunit; plus strand). Cytogenetic location: 4q31.1.
Variant type: single nucleotide variant.
Coding change: c.1410+5G>A on transcript NM_057175.5 (MANE Select); 5 bases into the intron after coding-DNA position 1410, G replaced by A.
Molecular consequence: intron variant.
Genome position (GRCh38, 1-based): chr4:139,359,900, G>A. VCF-style: chr4-139359900-G-A. GRCh37 (hg19) VCF-style: chr4-140281054-G-A.
Identifiers: ClinVar variation 1691737 (VCV001691737.2), dbSNP rs761336394, ClinGen allele CA3083622.
Genomic context (GRCh38, chr4:139,359,900, plus strand): 5'-TGCTAAAAGCCAACCTGATTAAAGAAGCTGAAGAAATGTGCTCAAAGTTTACAAGGGTTT[G>A]TACAGCTAGTGTTCTTAATTATGAATAAAGAAGACATGAGCCAGTTCATACTTGTATAAC-3'